The following is an entry in ClinVar:

ClinVar aggregate classification (germline): Likely benign. Review status: criteria provided, multiple submitters, no conflicts (2 of 4 stars). 2 submissions from 2 submitters: Likely benign (2). Last evaluated 2025-06-20.

Conditions:
SCN11A-related disorder. Also called: SCN11A-related condition.
Hereditary sensory and autonomic neuropathy type 7. Also called: Neuropathy, hereditary sensory and autonomic, type VII; HSAN VII. Identifiers: Orphanet 391397, MedGen C3809882, MONDO:0014244, OMIM 615548.
Familial episodic pain syndrome with predominantly lower limb involvement. Also called: Episodic pain syndrome, familial, 3. Identifiers: Orphanet 391384, Orphanet 391392, MedGen C3809899, MONDO:0014247, OMIM 615552.

Allele frequency attached by ClinVar (database versions not stated): TOPMed 0.00001.

Submissions (2):

PreventionGenetics, part of Exact Sciences
Classification: Likely benign for SCN11A-related condition. Last evaluated: 2025-06-20. Review status: criteria provided, single submitter. Criteria: ACMG Guidelines, 2015. Collection method: clinical testing. Allele origin: germline.
Comment: This variant is classified as likely benign based on ACMG/AMP sequence variant interpretation guidelines (Richards et al. 2015 PMID: 25741868, with internal and published modifications).

Labcorp Genetics (formerly Invitae), Labcorp
Classification: Likely benign for Familial episodic pain syndrome with predominantly lower limb involvement; Hereditary sensory and autonomic neuropathy type 7. Last evaluated: 2024-02-24. Review status: criteria provided, single submitter. Criteria: Invitae Variant Classification Sherloc (09022015). Collection method: clinical testing. Allele origin: germline.

NM_001349253.2(SCN11A):c.3000G>A (p.Gln1000=)

Gene: SCN11A (sodium voltage-gated channel alpha subunit 11; minus strand). Cytogenetic location: 3p22.2.
Variant type: single nucleotide variant.
Coding change: c.3000G>A on transcript NM_001349253.2 (MANE Select); coding-DNA position 3000, G replaced by A.
Protein change: p.Gln1000=; no amino-acid change (glutamine 1000 retained).
Molecular consequence: synonymous variant.
Genome position (GRCh38, 1-based): chr3:38,885,352, C>T on the plus strand (G>A on the coding strand, the complement: SCN11A is on the minus strand). VCF-style: chr3-38885352-C-T. GRCh37 (hg19) VCF-style: chr3-38926843-C-T.
Other names: c.3000G>A (NM_014139.2); c.3000G>A, p.Gln1000= (NM_014139.3).
Identifiers: ClinVar variation 1009609 (VCV001009609.6), dbSNP rs779994006, ClinGen allele CA433143941.
Genomic context (GRCh38, chr3:38,885,352, plus strand): 5'-GGGCAAACATCTCTCTGGTTGCTTTTTGGGAACCATCTCAGGTAACCATCCAAAGCCATC[C>T]TGAAGATCAATGGTGCTACATTCTGATAGTATACTGGTAACATCAGACTTCTGCACATCA-3'
Protein context (NP_001336182.1, residues 990-1010): ILSECSTIDL[Gln1000=]DGFGWLPEMV